The following is an entry in ClinVar:

ClinVar aggregate classification (germline): Pathogenic (1 of 4 stars; one submission).

Conditions:
Bardet-Biedl syndrome 10 (BBS10). Identifiers: Orphanet 110, MedGen C1859568, MONDO:0014438, OMIM 615987.

Submission:

Myriad Genetics, Inc.
Classification: Pathogenic for Bardet-Biedl syndrome 10. Last evaluated: 2026-08-18. Review status: criteria provided, single submitter. Criteria: Myriad Autosomal Dominant, Autosomal Recessive and X-Linked Classification Criteria (2023). Collection method: clinical testing. Allele origin: unknown.
Comment: NM_024685.3(BBS10):c.458_494dup37(L165Ffs*9) is a frameshift variant classified as pathogenic in the context of Bardet-Biedl syndrome, BBS10-related. L165Ffs*9 has not been observed in cases with relevant disease. Relevant functional assessments of this variant are not available in the literature. L165Ffs*9 has not been observed in referenced population frequency databases. In summary, NM_024685.3(BBS10):c.458_494dup37(L165Ffs*9) is a frameshift variant in a gene where loss of function is a known mechanism of disease and is predicted to disrupt protein function. Please note: this variant was assessed in the context of healthy population screening.

NM_024685.4(BBS10):c.458_494dup (p.Leu165delinsPhePheValTyrLeuPheValCysTer)

Gene: BBS10 (Bardet-Biedl syndrome 10; minus strand). Cytogenetic location: 12q21.2.
Variant type: Duplication.
Coding change: c.458_494dup on transcript NM_024685.4 (MANE Select); coding-DNA positions 458 to 494, 37 bases duplicated.
Protein change: p.Leu165delinsPhePheValTyrLeuPheValCysTer.
Molecular consequence: nonsense.
Genome position (GRCh38, 1-based): chr12:76,347,491-76,347,527, 37 bases duplicated; duplicating any 37 consecutive bases within chr12:76,347,491-76,347,528 gives the same sequence; the c. name uses the placement nearest the transcript's 3' end. GRCh37 (hg19): chr12:76,741,272-76,741,308.
Identifiers: ClinVar variation 5004857 (VCV005004857.1).
Genomic context (GRCh38, chr12:76,347,490, plus strand): 5'-ATTTCTTCCCACTCTTCCACAAAAGTATGCTTCTAAGAGCAACTCTAAAGAGCTCCTACA[C>CAATGTTCTCTCTTTAGCAGACGAAAAGATAGACAAAA]AATGTTCTCTCTTTAGCAGACGAAAAGATAGACAAAAAGTGTCTACTTAGGTACTGGTCC-3'